The following is an entry in ClinVar:

NM_033641.4(COL4A6):c.286A>T (p.Met96Leu)

Gene: COL4A6 (collagen type IV alpha 6 chain; minus strand). Cytogenetic location: Xq22.3.
Variant type: single nucleotide variant.
Coding change: c.286A>T on transcript NM_033641.4 (MANE Select); coding-DNA position 286, A replaced by T.
Protein change: p.Met96Leu; replaces methionine 96 with leucine.
Molecular consequence: missense variant.
Genome position (GRCh38, 1-based): chrX:108,219,736, T>A on the plus strand (A>T on the coding strand, the complement: COL4A6 is on the minus strand). VCF-style: chrX-108219736-T-A. GRCh37 (hg19) VCF-style: chrX-107462966-T-A.
Other names: p.Met97Leu; c.286A>T, p.Met96Leu (NM_001287758.2, NM_001287759.2, NM_001287760.2); c.289A>T, p.Met97Leu (NM_001847.4); short protein forms M96L, M97L.
Identifiers: ClinVar variation 515259 (VCV000515259.17), dbSNP rs144792752, ClinGen allele CA10488205.
Genomic context (GRCh38, chrX:108,219,736, plus strand): 5'-ATTCATCTGTGGACACACTCACCGGAATCCCATTGATGCCAAGAAAGCCAGGAACTCCCA[T>A]GGGACCCTAAAAAAAGGAGTAGGGAGAGGAATGTAAGACACAATCCAACTGATGTTTGTT-3'
Protein context (NP_378667.1, residues 86-106): PYGPKGDKGP[Met96Leu]GVPGFLGING

ClinVar aggregate classification (germline): Benign. Review status: criteria provided, multiple submitters, no conflicts (2 of 4 stars). 6 submissions from 6 submitters: Benign (6). Last evaluated 2026-01-28.

Conditions:
Hearing loss, X-linked 6. Also called: Deafness, X-linked 6. Identifiers: Orphanet 90625, MedGen C3806737, MONDO:0010484, OMIM 300914.

Allele frequency attached by ClinVar (database versions not stated): gnomAD exomes 0.00131; ExAC 0.00188; 1000 Genomes Project 30x 0.00499; 1000 Genomes Project 0.00503; gnomAD 0.00527 and 0.00553; TOPMed 0.00589; ESP Exome Variant Server 0.00606.
gnomAD v4.1: 1,108 of 1,204,022 alleles (0.092%); highest among the groups gnomAD compares: African/African-American, 1.7%; 3 homozygotes.

Submissions (6):

Labcorp Genetics (formerly Invitae), Labcorp
Classification: Benign. Last evaluated: 2026-01-28. Review status: criteria provided, single submitter. Criteria: Invitae Variant Classification Sherloc (09022015). Collection method: clinical testing. Allele origin: germline.

Mayo Clinic Laboratories, Mayo Clinic
Classification: Benign. Last evaluated: 2024-09-23. Review status: criteria provided, single submitter. Criteria: ACMG Guidelines, 2015. Collection method: clinical testing. Allele origin: germline. Observed: 1 variant allele.
Comment: BS1, BS2, BP4

Blueprint Genetics
Classification: Benign. Last evaluated: 2024-09-04. Review status: criteria provided, single submitter. Criteria: ACMG Guidelines, 2015. Collection method: clinical testing. Allele origin: germline.

Genome-Nilou Lab
Classification: Benign for Hearing loss, X-linked 6. Last evaluated: 2022-03-15. Review status: criteria provided, single submitter. Criteria: ACMG Guidelines, 2015. Collection method: clinical testing. Allele origin: germline. Affected: no.

GeneDx
Classification: Benign. Last evaluated: 2019-09-03. Review status: criteria provided, single submitter. Criteria: GeneDx Variant Classification Process June 2021. Collection method: clinical testing. Allele origin: germline. Affected: yes.

Breakthrough Genomics
Classification: Benign. Review status: criteria provided, single submitter. Criteria: ACMG Guidelines, 2015. Collection method: not provided. Allele origin: germline. Inheritance: X-linked inheritance. Affected: yes.